The following is an entry in ClinVar:

ClinVar aggregate classification (germline): Uncertain significance. Review status: criteria provided, multiple submitters, no conflicts (2 of 4 stars). 3 submissions from 3 submitters: Uncertain significance (3). Last evaluated 2026-01-06.

Conditions:
Connective tissue disorder. Also called: Connective tissue disease. Identifiers: MedGen C0009782, MONDO:0003900.
Familial thoracic aortic aneurysm and aortic dissection (TAAD). Also called: Thoracic aortic aneurysms and dissections. Identifiers: Orphanet 91387, MedGen C4707243, MONDO:0019625.
Congenital contractural arachnodactyly (CCA). Also called: BEALS SYNDROME; Beals-Hecht syndrome; Arthrogryposis, distal, type 9. Identifiers: Orphanet 115, MedGen C0220668, MONDO:0007363, OMIM 121050.

Allele frequency attached by ClinVar (database versions not stated): gnomAD exomes below 0.00001.
gnomAD v4.1: 7 of 1,614,148 alleles (0.00043%); highest among the groups gnomAD compares: South Asian, 0.0011%; no homozygotes.

Submissions (3):

Ambry Genetics
Classification: Uncertain significance for Familial thoracic aortic aneurysm and aortic dissection. Last evaluated: 2026-01-06. Review status: criteria provided, single submitter. Criteria: Ambry Variant Classification Scheme 2023. Collection method: clinical testing. Allele origin: germline.
Comment: The p.G1055R variant (also known as c.3163G>A), located in coding exon 24 of the FBN2 gene, results from a G to A substitution at nucleotide position 3163. The glycine at codon 1055 is replaced by arginine, an amino acid with dissimilar properties. This amino acid position is conserved. In addition, this alteration is predicted to be deleterious by in silico analysis. Based on the available evidence, the clinical significance of this variant remains unclear.

Labcorp Genetics (formerly Invitae), Labcorp
Classification: Uncertain significance for Congenital contractural arachnodactyly. Last evaluated: 2024-07-24. Review status: criteria provided, single submitter. Criteria: Invitae Variant Classification Sherloc (09022015). Collection method: clinical testing. Allele origin: germline.
Comment: This sequence change replaces glycine, which is neutral and non-polar, with arginine, which is basic and polar, at codon 1055 of the FBN2 protein (p.Gly1055Arg). This variant is present in population databases (no rsID available, gnomAD 0.0009%). This variant has not been reported in the literature in individuals affected with FBN2-related conditions. ClinVar contains an entry for this variant (Variation ID: 1702408). Advanced modeling of protein sequence and biophysical properties (such as structural, functional, and spatial information, amino acid conservation, physicochemical variation, residue mobility, and thermodynamic stability) performed at Invitae indicates that this missense variant is expected to disrupt FBN2 protein function with a positive predictive value of 80%. In summary, the available evidence is currently insufficient to determine the role of this variant in disease. Therefore, it has been classified as a Variant of Uncertain Significance.

Genome Diagnostics Laboratory, The Hospital for Sick Children
Classification: Uncertain significance for Connective tissue disorder. Last evaluated: 2018-12-01. Review status: criteria provided, single submitter. Criteria: ACMG Guidelines, 2015. Collection method: clinical testing. Allele origin: germline.

NM_001999.4(FBN2):c.3163G>A (p.Gly1055Arg)

Genes: FBN2 (fibrillin 2; minus strand), LOC126807501 (BRD4-independent group 4 enhancer GRCh37_chr5:127680731-127681930; plus strand). Cytogenetic location: 5q23.3.
Variant type: single nucleotide variant.
Coding change: c.3163G>A on transcript NM_001999.4 (MANE Select); coding-DNA position 3163, G replaced by A.
Protein change: p.Gly1055Arg; replaces glycine 1055 with arginine.
Molecular consequence: missense variant.
Genome position (GRCh38, 1-based): chr5:128,345,411, C>T on the plus strand (G>A on the coding strand, the complement: FBN2 is on the minus strand). VCF-style: chr5-128345411-C-T. GRCh37 (hg19) VCF-style: chr5-127681103-C-T.
Other names: short protein forms G1055R.
Identifiers: ClinVar variation 1702408 (VCV001702408.6), dbSNP rs1372203787, ClinGen allele CA360762880.
Genomic context (GRCh38, chr5:128,345,411, plus strand): 5'-AGTTACCTTTGTAAAATGGCCGCCCAGTAAGAACATCCCCTCGGTTAGCAAAGCCAGCCC[C>T]GCGGGGGCACAGCGTCTCGTATTCCTTGGTGCCAGGTTTGGGGCACTCCTCACACTCGGT-3'
Protein context (NP_001990.2, residues 1045-1065): TKEYETLCPR[Gly1055Arg]AGFANRGDVL